The following is an entry in ClinVar:

ClinVar aggregate classification (germline): Pathogenic (1 of 4 stars; one submission).

Submission:

GeneDx
Classification: Pathogenic. Last evaluated: 2015-03-09. Review status: criteria provided, single submitter. Criteria: GeneDx Variant Classification (06012015). Collection method: clinical testing. Allele origin: germline. Affected: yes.
Comment: The c.2946+1_2946+2dupGT splice site variant in the SCN1A gene changes the sequence immediatelyadjacent to the canonical splice donor site. Multiple in silico algorithms predict this duplication destroys thenatural splice donor site in intron 15, leading to abnormal gene splicing. Although this variant has not beenpreviously reported to our knowledge, other splice site variants in intron 15 have been reported in the HumanGene Mutation Database (HGMD) in association with SCN1A-related disorders (Stenson et al., 2014). Therefore, we interpret c.2946+1_2946+2dupGT to be a pathogenic variant.

NM_001165963.4(SCN1A):c.2946+1_2946+2dup

Gene: SCN1A (sodium voltage-gated channel alpha subunit 1; minus strand). Cytogenetic location: 2q24.3.
Variant type: Duplication.
Coding change: c.2946+1_2946+2dup on transcript NM_001165963.4 (MANE Select); the canonical splice donor site of the intron after coding-DNA position 2946, 2 bases duplicated (GT; older notation c.2946+1_2946+2dupGT).
Molecular consequence: splice donor variant.
Genome position (GRCh38, 1-based): chr2:166,037,774-166,037,775, AC duplicated on the plus strand (GT on the coding strand, the reverse complement: SCN1A is on the minus strand). VCF-style (leftmost placement, unchanged base first): chr2-166037773-T-TAC. GRCh37 (hg19) VCF-style: chr2-166894283-T-TAC.
Other names: c.2913+1_2913+2dup (NM_001353949.2, NM_001353950.2, NM_001353951.2 and 2 more transcripts); c.2862+1_2862+2dup (NM_001353958.2, NM_001353957.2, NM_001165964.3); c.2946+1_2946+2dup (NM_001202435.3, NM_001353948.2); c.2910+1_2910+2dup (NM_001353955.2, NM_001353954.2); c.2859+1_2859+2dup (NM_001353960.2); c.504+1_504+2dup (NM_001353961.2).
Identifiers: ClinVar variation 418648 (VCV000418648.1), dbSNP rs1064793341, ClinGen allele CA16617300.